The following is an entry in ClinVar:

NM_000929.3(PLA2G5):c.41G>A (p.Ser14Asn)

Gene: PLA2G5 (phospholipase A2 group V; plus strand). Cytogenetic location: 1p36.13.
Variant type: single nucleotide variant.
Coding change: c.41G>A on transcript NM_000929.3 (MANE Select); coding-DNA position 41, G replaced by A.
Protein change: p.Ser14Asn; replaces serine 14 with asparagine.
Molecular consequence: missense variant.
Genome position (GRCh38, 1-based): chr1:20,086,083, G>A. VCF-style: chr1-20086083-G-A. GRCh37 (hg19) VCF-style: chr1-20412576-G-A.
Other names: short protein forms S14N.
Identifiers: ClinVar variation 1063262 (VCV001063262.7), dbSNP rs2016272356, ClinGen allele CA338819330.
Genomic context (GRCh38, chr1:20,086,083, plus strand): 5'-TGGGCCTAAAGCAGGGCTGGGCTGCCTGGGTGTCACCTGGGGACATGGGCTATCTTCCAG[G>A]TGTGCCTGCTGTGCAAGGAGGCTTGCTGGACCTAAAATCAATGATCGAGAAGGTGACAGG-3'
Protein context (NP_000920.1, residues 4-24): LLPLAWFLAC[Ser14Asn]VPAVQGGLLD

ClinVar aggregate classification (germline): Uncertain significance (1 of 4 stars; one submission).

Allele frequency attached by ClinVar (database versions not stated): gnomAD exomes below 0.00001.

Submission:

Labcorp Genetics (formerly Invitae), Labcorp
Classification: Uncertain significance. Last evaluated: 2021-09-02. Review status: criteria provided, single submitter. Criteria: Invitae Variant Classification Sherloc (09022015). Collection method: clinical testing. Allele origin: germline.
Comment: This sequence change replaces serine with asparagine at codon 14 of the PLA2G5 protein (p.Ser14Asn). The serine residue is weakly conserved and there is a small physicochemical difference between serine and asparagine. This variant is not present in population databases (ExAC no frequency). This variant has not been reported in the literature in individuals affected with PLA2G5-related conditions. Algorithms developed to predict the effect of missense changes on protein structure and function (SIFT, PolyPhen-2, Align-GVGD) all suggest that this variant is likely to be tolerated. Algorithms developed to predict the effect of sequence changes on RNA splicing suggest that this variant may disrupt the consensus splice site. In summary, the available evidence is currently insufficient to determine the role of this variant in disease. Therefore, it has been classified as a Variant of Uncertain Significance.